The following is an entry in ClinVar:

NM_004937.3(CTNS):c.661G>A (p.Val221Met)

Genes: CTNS (cystinosin, lysosomal cystine transporter; plus strand), CTNS-AS1 (CTNS antisense RNA 1; minus strand). Cytogenetic location: 17p13.2.
Variant type: single nucleotide variant.
Coding change: c.661G>A on transcript NM_004937.3 (MANE Select); coding-DNA position 661, G replaced by A.
Protein change: p.Val221Met; replaces valine 221 with methionine.
Molecular consequence: missense variant.
Genome position (GRCh38, 1-based): chr17:3,656,775, G>A. VCF-style: chr17-3656775-G-A. GRCh37 (hg19) VCF-style: chr17-3560069-G-A.
Other names: c.220G>A, p.Val74Met (NM_001374496.1, NM_001374493.1, NM_001374494.1 and 1 more transcripts); c.661G>A (NM_001031681.2); c.661G>A, p.Val221Met (NM_001031681.3, NM_001374492.1); short protein forms V221M, V74M.
Identifiers: ClinVar variation 891377 (VCV000891377.10), dbSNP rs138270433, ClinGen allele CA8291811.

ClinVar aggregate classification (germline): Conflicting classifications of pathogenicity. Review status: criteria provided, conflicting classifications (1 of 4 stars). 5 submissions from 4 submitters: Uncertain significance (4); Likely benign (1). Last evaluated 2026-01-24.

Conditions:
CTNS-related disorder. Also called: CTNS-related condition.
Nephropathic cystinosis (CTNS). Also called: Abderhalden Lignac Kaufmann disease; Abderhalden-Kaufmann-Lignac syndrome; CYSTINOSIN, DEFECT OF; LYSOSOMAL CYSTINE TRANSPORT PROTEIN, DEFECT OF. Identifiers: Orphanet 213, Orphanet 411629, MedGen C2931187, MONDO:0100151, OMIM 219800.
Juvenile nephropathic cystinosis. Also called: Later-Onset (Juvenile) Cystinosis; Intermediate Cystinosis; CYSTINOSIS, LATE-ONSET JUVENILE OR ADOLESCENT NEPHROPATHIC TYPE. Identifiers: Orphanet 213, Orphanet 411634, MedGen C0268626, MONDO:0009066, OMIM 219900.
Ocular cystinosis. Also called: Non-Nephropathic (Ocular) Cystinosis; Non-Nephropathic Cystinosis. Identifiers: Orphanet 213, Orphanet 411641, MedGen C2931013, MONDO:0009064, OMIM 219750.
Inborn genetic diseases. Identifiers: MedGen C0950123, MeSH D030342.

Allele frequency attached by ClinVar (database versions not stated): ExAC 0.00016; ESP Exome Variant Server 0.00023; gnomAD 0.00027 and 0.00029; TOPMed 0.00062.

Submissions (5):

Labcorp Genetics (formerly Invitae), Labcorp
Classification: Likely benign for Inborn genetic diseases; Ocular cystinosis; Juvenile nephropathic cystinosis. Last evaluated: 2026-01-24. Review status: criteria provided, single submitter. Criteria: Invitae Variant Classification Sherloc (09022015). Collection method: clinical testing. Allele origin: germline.

PreventionGenetics, part of Exact Sciences
Classification: Uncertain significance for CTNS-related condition. Last evaluated: 2025-12-29. Review status: criteria provided, single submitter. Criteria: ACMG Guidelines, 2015. Collection method: clinical testing. Allele origin: germline.
Comment: The CTNS c.661G>A variant is predicted to result in the amino acid substitution p.Val221Met. To our knowledge, this variant has not been reported in the literature. This variant is reported in 0.056% of alleles in individuals of African descent in gnomAD. Although we suspect that this variant may be benign, at this time, the clinical significance of this variant is uncertain due to the absence of conclusive functional and genetic evidence.

Fulgent Genetics
Classification: Uncertain significance for Ocular cystinosis; Nephropathic cystinosis; Juvenile nephropathic cystinosis. Last evaluated: 2022-03-22. Review status: criteria provided, single submitter. Criteria: ACMG Guidelines, 2015. Collection method: clinical testing. Allele origin: unknown.

Illumina Laboratory Services, Illumina
Classification: Uncertain significance for Ocular cystinosis. Last evaluated: 2017-04-27. Review status: criteria provided, single submitter. Criteria: ICSL Variant Classification Criteria 13 December 2019. Collection method: clinical testing. Allele origin: germline.
Comment: This variant was observed as part of a predisposition screen in an ostensibly healthy population. A literature search was performed for the gene, cDNA change, and amino acid change (where applicable). Publications were found based on this search. However, the evidence from the literature, in combination with allele frequency data from public databases where available, was not sufficient to rule this variant in or out of causing disease. Therefore, this variant is classified as a variant of unknown significance.

Illumina Laboratory Services, Illumina
Classification: Uncertain significance for Nephropathic cystinosis. Last evaluated: 2017-04-27. Review status: criteria provided, single submitter. Criteria: ICSL Variant Classification Criteria 13 December 2019. Collection method: clinical testing. Allele origin: germline.

Literature cited by the submitters: PubMed 12825071 (cited by Illumina Laboratory Services, Illumina).